The following is an entry in ClinVar:

ClinVar aggregate classification (germline): Uncertain significance (1 of 4 stars; one submission).

Conditions:
Hereditary spastic paraplegia 11. Also called: SPASTIC PARAPLEGIA, AUTOSOMAL RECESSIVE, COMPLICATED, WITH THIN CORPUS CALLOSUM; SPASTIC PARAPLEGIA, AUTOSOMAL RECESSIVE, WITH MENTAL IMPAIRMENT AND THIN CORPUS CALLOSUM; Spastic Paraplegia 11; Nakamura Osame syndrome; Autosomal recessive hereditary spastic paraplegia, mental impairment, and thin corpus callosum; Spastic paraplegia, mental retardation and thin corpus callosum. Identifiers: Orphanet 2822, MedGen C1858479, MONDO:0011445, OMIM 604360.

Allele frequency attached by ClinVar (database versions not stated): TOPMed below 0.00001.

Submission:

Labcorp Genetics (formerly Invitae), Labcorp
Classification: Uncertain significance for Hereditary spastic paraplegia 11. Last evaluated: 2022-06-15. Review status: criteria provided, single submitter. Criteria: Invitae Variant Classification Sherloc (09022015). Collection method: clinical testing. Allele origin: germline.
Comment: This sequence change affects codon 2097 of the SPG11 mRNA. It is a 'silent' change, meaning that it does not change the encoded amino acid sequence of the SPG11 protein. This variant is present in population databases (rs772760984, gnomAD 0.0009%). This variant has been observed in individual(s) with clinical features of hereditary spastic paraplegia (Invitae). In at least one individual the data is consistent with being in trans (on the opposite chromosome) from a pathogenic variant. Algorithms developed to predict the effect of sequence changes on RNA splicing suggest that this variant may disrupt the consensus splice site. In summary, the available evidence is currently insufficient to determine the role of this variant in disease. Therefore, it has been classified as a Variant of Uncertain Significance.

NM_025137.4(SPG11):c.6291C>T (p.Gly2097=)

Gene: SPG11 (SPG11 vesicle trafficking associated, spatacsin; minus strand). Cytogenetic location: 15q21.1.
Variant type: single nucleotide variant.
Coding change: c.6291C>T on transcript NM_025137.4 (MANE Select); coding-DNA position 6291, C replaced by T.
Protein change: p.Gly2097=; no amino-acid change (glycine 2097 retained).
Molecular consequence: synonymous variant.
Genome position (GRCh38, 1-based): chr15:44,572,735, G>A on the plus strand (C>T on the coding strand, the complement: SPG11 is on the minus strand). VCF-style: chr15-44572735-G-A. GRCh37 (hg19) VCF-style: chr15-44864933-G-A.
Other names: c.5952C>T, p.Gly1984= (NM_001160227.2); c.6147C>T, p.Gly2049= (NM_001411132.1).
Identifiers: ClinVar variation 2175416 (VCV002175416.1), dbSNP rs772760984, ClinGen allele CA270068717.